The following is an entry in ClinVar:

NM_017775.4(TTC19):c.582-10T>A

Gene: TTC19 (tetratricopeptide repeat domain 19; plus strand). Cytogenetic location: 17p12.
Variant type: single nucleotide variant.
Coding change: c.582-10T>A on transcript NM_017775.4 (MANE Select); 10 bases into the intron before coding-DNA position 582, T replaced by A.
Molecular consequence: intron variant.
Genome position (GRCh38, 1-based): chr17:16,006,464, T>A. VCF-style: chr17-16006464-T-A. GRCh37 (hg19) VCF-style: chr17-15909778-T-A.
Other names: c.261-10T>A (NM_001271420.2).
Identifiers: ClinVar variation 1314621 (VCV001314621.2), dbSNP rs1227767417, ClinGen allele CA2573054330.

ClinVar aggregate classification (germline): Uncertain significance (1 of 4 stars; one submission).

Submission:

GeneDx
Classification: Uncertain significance. Last evaluated: 2021-04-05. Review status: criteria provided, single submitter. Criteria: GeneDx Variant Classification Process June 2021. Collection method: clinical testing. Allele origin: germline. Affected: yes.
Comment: Has not been previously published as pathogenic or benign to our knowledge; Not observed in large population cohorts (Lek et al., 2016); In silico analysis supports a deleterious effect on splicing